The following is an entry in ClinVar:

ClinVar aggregate classification (germline): Uncertain significance (1 of 4 stars; one submission).

Conditions:
Hyperaldosteronism, familial, type IV (HALD4). Also called: FH IV; ALDOSTERONISM, PRIMARY, AND HYPERTENSION. Identifiers: Orphanet 642671, MedGen C4310756, MONDO:0014875, OMIM 617027.
Idiopathic generalized epilepsy. Also called: EIG; Generalised epilepsy. Identifiers: MedGen C0270850, MONDO:0005579, OMIM 600669.

Submission:

Labcorp Genetics (formerly Invitae), Labcorp
Classification: Uncertain significance for Idiopathic generalized epilepsy; Hyperaldosteronism, familial, type IV. Last evaluated: 2025-02-06. Review status: criteria provided, single submitter. Criteria: Invitae Variant Classification Sherloc (09022015). Collection method: clinical testing. Allele origin: germline.
Comment: This sequence change replaces proline, which is neutral and non-polar, with serine, which is neutral and polar, at codon 1062 of the CACNA1H protein (p.Pro1062Ser). This variant is not present in population databases (gnomAD no frequency). This variant has not been reported in the literature in individuals affected with CACNA1H-related conditions. Invitae Evidence Modeling of protein sequence and biophysical properties (such as structural, functional, and spatial information, amino acid conservation, physicochemical variation, residue mobility, and thermodynamic stability) indicates that this missense variant is not expected to disrupt CACNA1H protein function with a negative predictive value of 80%. In summary, the available evidence is currently insufficient to determine the role of this variant in disease. Therefore, it has been classified as a Variant of Uncertain Significance.

NM_021098.3(CACNA1H):c.3184C>T (p.Pro1062Ser)

Gene: CACNA1H (calcium voltage-gated channel subunit alpha1 H; plus strand). Cytogenetic location: 16p13.3.
Variant type: single nucleotide variant.
Coding change: c.3184C>T on transcript NM_021098.3 (MANE Select); coding-DNA position 3184, C replaced by T.
Protein change: p.Pro1062Ser; replaces proline 1062 with serine.
Molecular consequence: missense variant.
Genome position (GRCh38, 1-based): chr16:1,208,042, C>T. VCF-style: chr16-1208042-C-T. GRCh37 (hg19) VCF-style: chr16-1258042-C-T.
Other names: c.3184C>T, p.Pro1062Ser (NM_001005407.2); short protein forms P1062S.
Identifiers: ClinVar variation 4790872 (VCV004790872.1).